The following is an entry in ClinVar:

ClinVar aggregate classification (germline): Conflicting classifications of pathogenicity. Review status: criteria provided, conflicting classifications (1 of 4 stars). 4 submissions from 4 submitters: Uncertain significance (2); Likely benign (2). Last evaluated 2025-07-08.

Conditions:
Intellectual developmental disorder, autosomal dominant 45. Also called: MENTAL RETARDATION, AUTOSOMAL DOMINANT 45; Intellectual disability, autosomal dominant 45. Identifiers: MedGen C4539848, MONDO:0030910, OMIM 617600.

Allele frequency attached by ClinVar (database versions not stated): ExAC 0.00003; gnomAD 0.00006; TOPMed 0.00007; gnomAD exomes 0.00009.
gnomAD v4.1: 144 of 1,612,384 alleles (0.0089%); highest among the groups gnomAD compares: Non-Finnish European, 0.012%; no homozygotes.

Submissions (4):

Women's Health and Genetics/Laboratory Corporation of America, LabCorp
Classification: Uncertain significance. Last evaluated: 2025-07-08. Review status: criteria provided, single submitter. Criteria: LabCorp Variant Classification Summary - May 2015. Collection method: clinical testing. Allele origin: germline.
Comment: Variant summary: CIC c.1946C>T (p.Ser649Phe) results in a non-conservative amino acid change in the encoded protein sequence. Algorithms developed to predict the effect of missense changes on protein structure and function are either unavailable or do not agree on the potential impact of this missense change. The variant allele was found at a frequency of 2.9e-05 in 243064 control chromosomes. The available data on variant occurrences in the general population are insufficient to allow any conclusion about variant significance. c.1946C>T has been observed in a heterozygous individual affected with a MLC1-related neurological disorder who carried 2 MLC1 variants (e.g. Guo_2024). These report(s) do not provide unequivocal conclusions about association of the variant with Mental Retardation, Autosomal Dominant 45. To our knowledge, no experimental evidence demonstrating an impact on protein function has been reported. The following publication has been ascertained in the context of this evaluation (PMID: 37838930). ClinVar contains an entry for this variant (Variation ID: 2440078). Based on the evidence outlined above, the variant was classified as uncertain significance.

CeGaT Center for Human Genetics Tuebingen
Classification: Likely benign. Last evaluated: 2024-10-01. Review status: criteria provided, single submitter. Criteria: CeGaT Center For Human Genetics Tuebingen Variant Classification Criteria Version 2. Collection method: clinical testing. Allele origin: germline. Affected: yes. Observed: 1 variant allele.
Comment: CIC: BP4

Blueprint Genetics
Classification: Likely benign. Last evaluated: 2023-08-21. Review status: criteria provided, single submitter. Criteria: ACMG Guidelines, 2015. Collection method: clinical testing. Allele origin: germline.

Revvity Omics, Revvity
Classification: Uncertain significance for Intellectual developmental disorder, autosomal dominant 45. Last evaluated: 2023-07-29. Review status: criteria provided, single submitter. Criteria: ACMG Guidelines, 2015. Collection method: clinical testing. Allele origin: germline.

Literature cited by the submitters: PubMed 37838930 (cited by Women's Health and Genetics/Laboratory Corporation of America, LabCorp).

NM_001386298.1(CIC):c.4673C>T (p.Ser1558Phe)

Gene: CIC (capicua transcriptional repressor; plus strand). Cytogenetic location: 19q13.2.
Variant type: single nucleotide variant.
Coding change: c.4673C>T on transcript NM_001386298.1 (MANE Select); coding-DNA position 4673, C replaced by T.
Protein change: p.Ser1558Phe; replaces serine 1558 with phenylalanine.
Molecular consequence: missense variant.
Genome position (GRCh38, 1-based): chr19:42,290,714, C>T. VCF-style: chr19-42290714-C-T. GRCh37 (hg19) VCF-style: chr19-42794866-C-T.
Other names: c.1946C>T, p.Ser649Phe (NM_015125.5, NM_001379484.1, NM_001379485.1); c.4673C>T, p.Ser1558Phe (NM_001304815.2, NM_001379480.1, NM_001379482.1 and 1 more transcripts); short protein forms S1558F, S649F.
Identifiers: ClinVar variation 2440078 (VCV002440078.19), dbSNP rs758817184, ClinGen allele CA9472139.